The following is an entry in ClinVar:

ClinVar aggregate classification (germline): Conflicting classifications of pathogenicity. Review status: criteria provided, conflicting classifications (1 of 4 stars). 15 submissions from 15 submitters: Uncertain significance (12); Likely benign (3). Last evaluated 2026-04-28.

Conditions:
Cardiovascular phenotype. Identifiers: MedGen CN230736.
Hypertrophic cardiomyopathy 1 (CMH1). Also called: Familial hypertrophic cardiomyopathy 1; MYH7-Related Familial Hypertrophic Cardiomyopathy. Identifiers: MedGen C3495498, MONDO:0008647, OMIM 192600.
Hypertrophic cardiomyopathy 14. Identifiers: MedGen C2750467, MONDO:0013197, OMIM 613251.
Dilated cardiomyopathy 1EE (CMD1EE). Identifiers: Orphanet 154, MedGen C2750466, MONDO:0013198, OMIM 613252.
Sick sinus syndrome 3, susceptibility to (SSS3). Identifiers: Orphanet 166282, MedGen C3279791, MONDO:0013568, OMIM 614090.
Atrial septal defect 3 (ASD3). Identifiers: Orphanet 1478, MedGen C3279790, MONDO:0013567, OMIM 614089.
Cardiomyopathy (CMYO). Also called: Cardiomyopathies. Identifiers: Orphanet 167848, MedGen C0878544, MONDO:0004994, HP:0001638. Inheritance: Various modes of inheritance.

Allele frequency attached by ClinVar (database versions not stated): gnomAD 0.00030; TOPMed 0.00032; 1000 Genomes Project 30x 0.00047; 1000 Genomes Project 0.00060; ESP Exome Variant Server 0.00062.

Submissions (15):

Women's Health and Genetics/Laboratory Corporation of America, LabCorp
Classification: Likely benign. Last evaluated: 2026-04-28. Review status: criteria provided, single submitter. Criteria: LabCorp Variant Classification Summary - May 2015. Collection method: clinical testing. Allele origin: germline.
Comment: Variant summary: MYH6 c.292G>A (p.Glu98Lys) results in a conservative amino acid change located in the Myosin head, motor domain (IPR001609) of the encoded protein sequence. Algorithms developed to predict the effect of missense changes on protein structure and function are either unavailable or do not agree on the potential impact of this missense change. The variant allele was found at a frequency of 0.00025 in 251480 control chromosomes, predominantly at a frequency of 0.00047 within the Non-Finnish European subpopulation in the gnomAD database. The observed variant frequency within Non-Finnish European control individuals in the gnomAD database exceeds the estimated maximal expected allele frequency for disease-causing variants in MYH6. c.292G>A has been observed in individual(s) affected with hypertrophic cardiomyopathy and congential heart disease, without strong evidence for causality (Lopes_2014, Mademont-Soler_2017, Mendes de Almeida_2017, Jin_2017). These report(s) do not provide unequivocal conclusions about association of the variant with Cardiomyopathy. To our knowledge, no experimental evidence demonstrating an impact on protein function has been reported. The following publications have been ascertained in the context of this evaluation (PMID: 25351510, 28771489, 28797094, 28991257). ClinVar contains an entry for this variant (Variation ID: 44474). Based on the evidence outlined above, the variant was classified as likely benign.

GeneDx
Classification: Uncertain significance. Last evaluated: 2026-01-26. Review status: criteria provided, single submitter. Criteria: GeneDx Variant Classification Process June 2021. Collection method: clinical testing. Allele origin: germline. Affected: yes.
Comment: In silico analysis supports that this missense variant has a deleterious effect on protein structure/function; This variant is associated with the following publications: (PMID: 28771489, 20656787, 25351510, 28991257, 25163546, 33325730, 28797094, 22194935, 35621855, 37194601, 31376648)

Labcorp Genetics (formerly Invitae), Labcorp
Classification: Uncertain significance for Hypertrophic cardiomyopathy 14. Last evaluated: 2025-11-27. Review status: criteria provided, single submitter. Criteria: Invitae Variant Classification Sherloc (09022015). Collection method: clinical testing. Allele origin: germline.
Comment: This sequence change replaces glutamic acid, which is acidic and polar, with lysine, which is basic and polar, at codon 98 of the MYH6 protein (p.Glu98Lys). This variant is present in population databases (rs140596256, gnomAD 0.04%), and has an allele count higher than expected for a pathogenic variant. This missense change has been observed in individual(s) with hypertrophic cardiomyopathy or congenital heart disease (PMID: 20656787, 25351510, 28771489, 28797094, 28991257). ClinVar contains an entry for this variant (Variation ID: 44474). Invitae Evidence Modeling of protein sequence and biophysical properties (such as structural, functional, and spatial information, amino acid conservation, physicochemical variation, residue mobility, and thermodynamic stability) indicates that this missense variant is expected to disrupt MYH6 protein function with a positive predictive value of 80%. In summary, the available evidence is currently insufficient to determine the role of this variant in disease. Therefore, it has been classified as a Variant of Uncertain Significance.

Ambry Genetics
Classification: Uncertain significance for Cardiovascular phenotype. Last evaluated: 2025-04-21. Review status: criteria provided, single submitter. Criteria: Ambry Variant Classification Scheme 2023. Collection method: clinical testing. Allele origin: germline.
Comment: The p.E98K variant (also known as c.292G>A), located in coding exon 2 of the MYH6 gene, results from a G to A substitution at nucleotide position 292. The glutamic acid at codon 98 is replaced by lysine, an amino acid with similar properties. This alteration has been reported in individuals with features consistent with hypertrophic cardiomyopathy (HCM), dilated cardiomyopathy (DCM), sudden unexplained death, and congenital heart disease (Granados-Riveron JT et al. Hum. Mol. Genet., 2010 Oct;19:4007-16; Lopes LR et al. Heart, 2015 Feb;101:294-301; Mademont-Soler I et al. PLoS ONE, 2017 Aug;12:e0181465; Mendes de Almeida R et al. PLoS ONE, 2017 Aug;12:e0182946; Jin SC et al. Nat. Genet., 2017 Nov;49:1593-1601 ;Martinez-Matilla M et al. Forensic Sci Int Genet, 2019 09;42:203-212; Theis JL et al. Circ Genom Precis Med, 2021 Feb;14:e003126). This amino acid position is highly conserved in available vertebrate species. In addition, this alteration is predicted to be deleterious by in silico analysis. Since supporting evidence is limited at this time, the clinical significance of this alteration remains unclear.

Revvity Omics, Revvity
Classification: Uncertain significance. Last evaluated: 2025-01-06. Review status: criteria provided, single submitter. Criteria: ACMG Guidelines, 2015. Collection method: clinical testing. Allele origin: germline.

Blueprint Genetics
Classification: Likely benign. Last evaluated: 2024-11-25. Review status: criteria provided, single submitter. Criteria: ACMG Guidelines, 2015. Collection method: clinical testing. Allele origin: germline.

Clinical Genetics Laboratory, Skane University Hospital Lund
Classification: Uncertain significance. Last evaluated: 2022-05-27. Review status: criteria provided, single submitter. Criteria: ACMG Guidelines, 2015. Collection method: clinical testing. Allele origin: germline. Affected: yes.

Victorian Clinical Genetics Services, Murdoch Childrens Research Institute
Classification: Uncertain significance for Atrial septal defect 3. Last evaluated: 2022-02-02. Review status: criteria provided, single submitter. Criteria: ACMG Guidelines, 2015. Collection method: clinical testing. Allele origin: germline. Inheritance: Autosomal dominant inheritance. Affected: yes.
Comment: Based on the classification scheme VCGS_Germline_v1.3.4, this variant is classified as VUS-3B. Following criteria are met: 0105 - The mechanism of disease for this gene is not clearly established, however gain of function is suggested (PMID: 20656787). (I) 0107 - This gene is associated with autosomal dominant disease. (I) 0112 - The condition associated with this gene has incomplete penetrance, however this is only in individuals with atrial septal defect (PMID: 22194935). (I) 0115 - Variants in this gene are known to have variable expressivity, however this is only in individuals with atrial septal defect (PMID: 22194935). (I) 0200 - Variant is predicted to result in a missense amino acid change from glutamic acid to lysine. (I) 0251 - This variant is heterozygous. (I) 0302 - Variant is present in gnomAD (v2) <0.001 for a dominant condition (71 heterozygotes, 0 homozygotes). (SP) 0309 - An alternative amino acid change at the same position has been observed in gnomAD (v2) (1 heterozygote, 0 homozygotes). (I) 0501 - Missense variant consistently predicted to be damaging by multiple in silico tools or highly conserved with a major amino acid change. (SP) 0600 - Variant is located in the annotated motor head domain (DECIPHER). (I) 0705 - No comparable missense variants have previous evidence for pathogenicity. (I) 0809 - Previous evidence of pathogenicity for this variant is inconclusive. This variant has been reported as likely benign, but more commonly as a VUS in individuals with hypertrophic cardiomyopathy or sudden unexplained death who often had additional VUSs in related genes (ClinVar, LOVD, PMID: 28797094, PMID: 28771489, PMID: 31376648). Additionally, it has been reported in a homozygous individual with Shone complex, mitrial atresia, double outlet right ventricle and coarctation of the aorta (PMID: 28991257), and within a control cohort (PMID: 25163546). (I) 0905 - No published segregation evidence has been identified for this variant. (I) 1007 - No published functional evidence has been identified for this variant. (I) Legend: (SP) - Supporting pathogenic, (I) - Information, (SB) - Supporting benign

AiLife Diagnostics
Classification: Uncertain significance. Last evaluated: 2020-06-15. Review status: criteria provided, single submitter. Criteria: ACMG Guidelines, 2015. Collection method: clinical testing. Allele origin: germline. Affected: yes. Observed: 2 variant alleles.

Molecular Diagnostic Laboratory for Inherited Cardiovascular Disease, Montreal Heart Institute
Classification: Uncertain significance for Hypertrophic cardiomyopathy 1. Last evaluated: 2019-12-10. Review status: criteria provided, single submitter. Criteria: ACMG Guidelines, 2015. Collection method: clinical testing. Allele origin: germline. Affected: yes.

Laboratory for Molecular Medicine, Mass General Brigham Personalized Medicine
Classification: Likely benign. Last evaluated: 2019-10-31. Review status: criteria provided, single submitter. Criteria: LMM Criteria. Collection method: clinical testing. Allele origin: germline. Observed: 3 variant alleles.
Comment: proposed classification - variant undergoing re-assessment, contact laboratory

Fulgent Genetics
Classification: Uncertain significance for Hypertrophic cardiomyopathy 1; Hypertrophic cardiomyopathy 14; Dilated cardiomyopathy 1EE; Atrial septal defect 3; Sick sinus syndrome 3, susceptibility to. Last evaluated: 2018-10-31. Review status: criteria provided, single submitter. Criteria: ACMG Guidelines, 2015. Collection method: clinical testing. Allele origin: unknown.

CeGaT Center for Human Genetics Tuebingen
Classification: Uncertain significance. Last evaluated: 2018-08-01. Review status: criteria provided, single submitter. Criteria: CeGaT Center For Human Genetics Tuebingen Variant Classification Criteria Version 2. Collection method: clinical testing. Allele origin: germline. Affected: yes. Observed: 1 variant allele.

Stanford Center for Inherited Cardiovascular Disease, Stanford University
Classification: Uncertain significance. Last evaluated: 2017-09-22. Review status: criteria provided, single submitter. Criteria: ACMG Guidelines, 2015. Collection method: provider interpretation. Allele origin: germline.

CHEO Genetics Diagnostic Laboratory, Children's Hospital of Eastern Ontario
Classification: Uncertain significance for Cardiomyopathy. Last evaluated: 2017-02-09. Review status: criteria provided, single submitter. Criteria: ACMG Guidelines, 2015. Collection method: clinical testing. Allele origin: germline. Study: Canadian Open Genetics Repository.

Literature cited by the submitters: PubMed 25351510 (cited by 3 submitters); PubMed 28771489 (cited by 4 submitters); PubMed 28991257 (cited by 5 submitters); PubMed 28797094 (cited by 5 submitters); PubMed 20656787 (cited by 4 submitters); PubMed 25163546 (cited by 3 submitters); PubMed 31376648 (cited by Ambry Genetics and Victorian Clinical Genetics Services, Murdoch Childrens Research Institute); PubMed 33325730 (cited by Ambry Genetics); PubMed 22194935 (cited by Victorian Clinical Genetics Services, Murdoch Childrens Research Institute).

NM_002471.4(MYH6):c.292G>A (p.Glu98Lys)

Genes: MYH6 (myosin heavy chain 6; minus strand), LOC114827851 (VISTA enhancer hs2155; plus strand). Cytogenetic location: 14q11.2.
Variant type: single nucleotide variant.
Coding change: c.292G>A on transcript NM_002471.4 (MANE Select); coding-DNA position 292, G replaced by A.
Protein change: p.Glu98Lys; replaces glutamic acid 98 with lysine.
Molecular consequence: missense variant.
Genome position (GRCh38, 1-based): chr14:23,405,680, C>T on the plus strand (G>A on the coding strand, the complement: MYH6 is on the minus strand). VCF-style: chr14-23405680-C-T. GRCh37 (hg19) VCF-style: chr14-23874889-C-T.
Other names: short protein forms E98K.
Identifiers: ClinVar variation 44474 (VCV000044474.76), dbSNP rs140596256, ClinGen allele CA134302.